The following is an entry in ClinVar:

NM_000523.4(HOXD13):c.296C>T (p.Pro99Leu)

Gene: HOXD13 (homeobox D13; plus strand). Cytogenetic location: 2q31.1.
Variant type: single nucleotide variant.
Coding change: c.296C>T on transcript NM_000523.4 (MANE Select); coding-DNA position 296, C replaced by T.
Protein change: p.Pro99Leu; replaces proline 99 with leucine.
Molecular consequence: missense variant.
Genome position (GRCh38, 1-based): chr2:176,093,186, C>T. VCF-style: chr2-176093186-C-T. GRCh37 (hg19) VCF-style: chr2-176957914-C-T.
Other names: short protein forms P99L.
Identifiers: ClinVar variation 2550634 (VCV002550634.3), dbSNP rs143487752, ClinGen allele CA1976568.

ClinVar aggregate classification (germline): Uncertain significance. Review status: criteria provided, single submitter (1 of 4 stars). 2 submissions from 2 submitters: Uncertain significance (1). 1 of the submissions does not count toward it. Last evaluated 2023-05-23.

Conditions:
HOXD13-related disorder. Also called: HOXD13-related disorders; HOXD13-related condition.
Inborn genetic diseases. Identifiers: MedGen C0950123, MeSH D030342.

Allele frequency attached by ClinVar (database versions not stated): ESP Exome Variant Server 0.00008.
gnomAD v4.1: 117 of 1,608,792 alleles (0.0073%); highest among the groups gnomAD compares: Non-Finnish European, 0.0075%; no homozygotes.

Submissions (2):

Ambry Genetics
Classification: Uncertain significance for Inborn genetic diseases. Last evaluated: 2023-05-23. Review status: criteria provided, single submitter. Criteria: Ambry Variant Classification Scheme 2023. Collection method: clinical testing. Allele origin: germline.

PreventionGenetics, part of Exact Sciences
Classification: Uncertain significance for HOXD13-related condition. Last evaluated: 2024-07-22. Review status: no assertion criteria provided. Collection method: clinical testing. Allele origin: germline. Not counted in ClinVar's aggregate classification.
Comment: The HOXD13 c.296C>T variant is predicted to result in the amino acid substitution p.Pro99Leu. To our knowledge, this variant has not been reported in the literature. This variant is reported in 0.027% of alleles in individuals of European (Non-Finnish) descent in gnomAD. Although we suspect that this variant may be benign, at this time, the clinical significance of this variant is uncertain due to the absence of conclusive functional and genetic evidence.